The following is an entry in ClinVar:

ClinVar aggregate classification (germline): Likely benign. Review status: criteria provided, multiple submitters, no conflicts (2 of 4 stars). 3 submissions from 3 submitters: Likely benign (2). 1 of the submissions does not count toward it. Last evaluated 2024-10-01.

Conditions:
COL4A4-related disorder.

Allele frequency attached by ClinVar (database versions not stated): gnomAD exomes below 0.00001; gnomAD 0.00001; TOPMed 0.00001.
gnomAD v4.1: 6 of 1,613,792 alleles (0.00037%); highest among the groups gnomAD compares: Non-Finnish European, 0.00051%; no homozygotes.

Submissions (3):

Blueprint Genetics
Classification: Likely benign. Last evaluated: 2024-10-01. Review status: criteria provided, single submitter. Criteria: ACMG Guidelines, 2015. Collection method: clinical testing. Allele origin: germline.

Labcorp Genetics (formerly Invitae), Labcorp
Classification: Likely benign. Last evaluated: 2023-10-15. Review status: criteria provided, single submitter. Criteria: Invitae Variant Classification Sherloc (09022015). Collection method: clinical testing. Allele origin: germline.

PreventionGenetics, part of Exact Sciences
Classification: Likely benign for COL4A4-related condition. Last evaluated: 2020-09-25. Review status: no assertion criteria provided. Collection method: clinical testing. Allele origin: germline. Not counted in ClinVar's aggregate classification.
Comment: This variant is classified as likely benign based on ACMG/AMP sequence variant interpretation guidelines (Richards et al. 2015 PMID: 25741868, with internal and published modifications).

NM_000092.5(COL4A4):c.4764T>C (p.Cys1588=)

Gene: COL4A4 (collagen type IV alpha 4 chain; minus strand). Cytogenetic location: 2q36.3.
Variant type: single nucleotide variant.
Coding change: c.4764T>C on transcript NM_000092.5 (MANE Select); coding-DNA position 4764, T replaced by C.
Protein change: p.Cys1588=; no amino-acid change (cysteine 1588 retained).
Molecular consequence: synonymous variant.
Genome position (GRCh38, 1-based): chr2:227,008,063, A>G on the plus strand (T>C on the coding strand, the complement: COL4A4 is on the minus strand). VCF-style: chr2-227008063-A-G. GRCh37 (hg19) VCF-style: chr2-227872779-A-G.
Other names: c.4764T>C (NM_000092.4).
Identifiers: ClinVar variation 1119363 (VCV001119363.12), dbSNP rs1184642885, ClinGen allele CA431672078.